The following is an entry in ClinVar:

NM_001572.5(IRF7):c.679+5G>T

Gene: IRF7 (interferon regulatory factor 7; minus strand). Cytogenetic location: 11p15.5.
Variant type: single nucleotide variant.
Coding change: c.679+5G>T on transcript NM_001572.5 (MANE Select); 5 bases into the intron after coding-DNA position 679, G replaced by T.
Molecular consequence: intron variant.
Genome position (GRCh38, 1-based): chr11:614,169, C>A on the plus strand (G>T on the coding strand, the complement: IRF7 is on the minus strand). VCF-style: chr11-614169-C-A. GRCh37 (hg19) VCF-style: chr11-614169-C-A.
Other names: c.679+5G>T (NM_004029.4); c.718+5G>T (NM_004031.4).
Identifiers: ClinVar variation 2808995 (VCV002808995.3), dbSNP rs2493922277, ClinGen allele CA2739276103.

ClinVar aggregate classification (germline): Uncertain significance (1 of 4 stars; one submission).

Conditions:
Immunodeficiency 39 (IMD39). Identifiers: Orphanet 574918, MedGen C4225358, MONDO:0014597, OMIM 616345.

Submission:

Labcorp Genetics (formerly Invitae), Labcorp
Classification: Uncertain significance for Immunodeficiency 39. Last evaluated: 2022-10-19. Review status: criteria provided, single submitter. Criteria: Invitae Variant Classification Sherloc (09022015). Collection method: clinical testing. Allele origin: germline.
Comment: Variants that disrupt the consensus splice site are a relatively common cause of aberrant splicing (PMID: 17576681, 9536098). Algorithms developed to predict the effect of sequence changes on RNA splicing suggest that this variant may disrupt the consensus splice site. In summary, the available evidence is currently insufficient to determine the role of this variant in disease. Therefore, it has been classified as a Variant of Uncertain Significance. This variant has not been reported in the literature in individuals affected with IRF7-related conditions. This variant is not present in population databases (gnomAD no frequency). This sequence change falls in intron 4 of the IRF7 gene. It does not directly change the encoded amino acid sequence of the IRF7 protein. It affects a nucleotide within the consensus splice site.

Literature cited by the submitters: PubMed 17576681; PubMed 9536098.